The following is an entry in ClinVar:

ClinVar aggregate classification (germline): Likely pathogenic (1 of 4 stars; one submission).

Conditions:
Kleefstra syndrome 1 (KLEFS1). Identifiers: Orphanet 261494, MedGen C0795833, MONDO:0027407, OMIM 610253.

Submission:

Henan Neurodevelopment Engineering Research Center for Children, Children's Hospital Affiliated to Zhengzhou University
Classification: Likely pathogenic for Kleefstra syndrome 1. Review status: criteria provided, single submitter. Criteria: ACMG Guidelines, 2015. Collection method: clinical testing. Allele origin: unknown. Inheritance: Autosomal dominant inheritance. Affected: yes.
Comment: The pathogenesis of Kleefstra syndrome is primarily associated with a 9q34.3 microdeletion or pathogenic variants in the EHMT1 gene, leading to loss of function of this gene and, consequently, neurodevelopmental abnormalities (Kleefstra 2006). The variant is a novel frameshift variant (c.3385del, p.Gln1129Serfs*31) previously unreported in public databases. It disrupts the local conformation of the SET domain, leading to loss of function of the EHMT1 gene, thereby meeting our criteria for classification as a likely pathogenic variant.

Literature cited by the submitters: DOI 10.1086/505693.

NM_024757.5(EHMT1):c.3385del (p.Gln1129fs)

Gene: EHMT1 (euchromatic histone lysine methyltransferase 1; plus strand). Cytogenetic location: 9q34.3.
Variant type: Deletion.
Coding change: c.3385del on transcript NM_024757.5 (MANE Select); coding-DNA position 3385, one base deleted (C; older notation c.3385delC).
Protein change: p.Gln1129fs; shifts the reading frame from glutamine 1129.
Molecular consequence: frameshift variant.
Genome position (GRCh38, 1-based): chr9:137,817,449, C deleted. VCF-style (leftmost placement, unchanged base first): chr9-137817448-GC-G. GRCh37 (hg19) VCF-style: chr9-140711900-GC-G.
Other names: c.3364del, p.Gln1122fs (NM_001354263.2); short protein forms Q1122fs, Q1129fs.
Identifiers: ClinVar variation 4850991 (VCV004850991.1).